The following is an entry in ClinVar:

ClinVar aggregate classification (germline): Benign/Likely benign. Review status: criteria provided, multiple submitters, no conflicts (2 of 4 stars). 4 submissions from 4 submitters: Benign (1); Likely benign (3). Last evaluated 2025-08-18.

Conditions:
Hereditary nonpolyposis colorectal neoplasms. Identifiers: MedGen C0009405, MeSH D003123.
Hereditary cancer-predisposing syndrome. Also called: Hereditary Cancer Syndrome; Hereditary neoplastic syndrome; Neoplastic Syndromes, Hereditary; Tumor predisposition. Identifiers: Orphanet 140162, MedGen C0027672, MeSH D009386, MONDO:0015356.
Lynch syndrome 5 (LYNCH5). Also called: Hereditary non-polyposis colorectal cancer, type 5; Colorectal cancer, hereditary nonpolyposis, type 5. Identifiers: Orphanet 144, MedGen C1833477, MONDO:0013710, OMIM 614350. Disease mechanism: loss of function.

Allele frequency attached by ClinVar (database versions not stated): gnomAD 0.00001; TOPMed 0.00001; ESP Exome Variant Server 0.00008.

Submissions (4):

Labcorp Genetics (formerly Invitae), Labcorp
Classification: Likely benign for Hereditary nonpolyposis colorectal neoplasms. Last evaluated: 2025-08-18. Review status: criteria provided, single submitter. Criteria: Invitae Variant Classification Sherloc (09022015). Collection method: clinical testing. Allele origin: germline.

Myriad Genetics, Inc.
Classification: Benign for Lynch syndrome 5. Last evaluated: 2024-12-20. Review status: criteria provided, single submitter. Criteria: Myriad Autosomal Dominant, Autosomal Recessive and X-Linked Classification Criteria (2023). Collection method: clinical testing. Allele origin: unknown.
Comment: This variant is considered benign. This variant is a silent/synonymous amino acid change and it is not expected to impact splicing.

Quest Diagnostics Nichols Institute San Juan Capistrano
Classification: Likely benign. Last evaluated: 2021-05-12. Review status: criteria provided, single submitter. Criteria: Quest Diagnostics criteria. Collection method: clinical testing. Allele origin: unknown.

Ambry Genetics
Classification: Likely benign for Hereditary cancer-predisposing syndrome. Last evaluated: 2019-01-30. Review status: criteria provided, single submitter. Criteria: Ambry Variant Classification Scheme 2023. Collection method: clinical testing. Allele origin: germline.

NM_000179.3(MSH6):c.834A>C (p.Ile278=)

Gene: MSH6 (mutS homolog 6; plus strand). Cytogenetic location: 2p16.3.
Variant type: single nucleotide variant.
Coding change: c.834A>C on transcript NM_000179.3 (MANE Select); coding-DNA position 834, A replaced by C.
Protein change: p.Ile278=; no amino-acid change (isoleucine 278 retained).
Molecular consequence: synonymous variant. On other transcripts: 5 prime UTR variant (2).
Genome position (GRCh38, 1-based): chr2:47,798,817, A>C. VCF-style: chr2-47798817-A-C. GRCh37 (hg19) VCF-style: chr2-48025956-A-C.
Other names: c.444A>C, p.Ile148= (NM_001281492.2); c.-73A>C (NM_001281493.2, NM_001281494.2).
Identifiers: ClinVar variation 455350 (VCV000455350.18), dbSNP rs368523339, ClinGen allele CA46706817.
Genomic context (GRCh38, chr2:47,798,817, plus strand): 5'-TGGTGGCTCTGATGTGGAATTTAAGCCAGACACTAAGGAGGAAGGAAGCAGTGATGAAAT[A>C]AGCAGTGGAGTGGGGGATAGTGAGAGTGAAGGCCTGAACAGCCCTGTCAAAGTTGCTCGA-3'
Protein context (NP_000170.1, residues 268-288): DTKEEGSSDE[Ile278=]SSGVGDSESE